The following continues an entry in ClinVar:

NM_007194.4(CHEK2):c.846+1G>C

Gene: CHEK2. ClinVar aggregate classification (germline): Pathogenic/Likely pathogenic. Pathogenic (2); Likely pathogenic (14).

Submissions 12 to 17 of 17:

Color Diagnostics, LLC DBA Color Health
Classification: Likely pathogenic for Hereditary cancer-predisposing syndrome. Last evaluated: 2020-09-22. Review status: criteria provided, single submitter. Criteria: ACMG Guidelines, 2015. Collection method: clinical testing. Allele origin: germline.
Comment: This variant causes a G to C nucleotide substitution at the +1 position of intron 7 of the CHEK2 gene. Splice site prediction tools predict that this variant may have a significant impact on RNA splicing. To our knowledge, functional studies have not been reported for this variant. This variant has been reported in an individual affected with breast cancer (PMID: 30980208) and observed in a breast cancer study from Uraguay (PMID: 31658756). A different variant at the same position, c.846+1G>A, also has been reported in an individual affected with breast cancer (PMID: 26484312). This variant has not been identified in the general population by the Genome Aggregation Database (gnomAD). Loss of CHEK2 function is a known mechanism of disease. Based on the available evidence, this variant is classified as Likely Pathogenic.

Revvity Omics, Revvity
Classification: Likely pathogenic. Last evaluated: 2019-12-03. Review status: criteria provided, single submitter. Criteria: ACMG Guidelines, 2015. Collection method: clinical testing. Allele origin: germline.

Mendelics
Classification: Likely pathogenic for Familial cancer of breast. Last evaluated: 2019-05-28. Review status: criteria provided, single submitter. Criteria: Mendelics Assertion Criteria 2017. Collection method: clinical testing. Allele origin: unknown.

GeneDx
Classification: Likely pathogenic. Last evaluated: 2016-03-02. Review status: criteria provided, single submitter. Criteria: GeneDx Variant Classification (06012015). Collection method: clinical testing. Allele origin: germline. Affected: yes.
Comment: This variant is denoted CHEK2 c.846+1G>C or IVS7+1G>C and consists of a G>C nucleotide substitution at the +1 position of intron 7 of the CHEK2 gene. This variant destroys a canonical splice donor site and is predicted to cause abnormal gene splicing, leading to either an abnormal message that is subject to nonsense-mediated mRNA decay or to an abnormal protein product. This variant has not, to our knowledge, been published in the literature as pathogenic or benign. Based on the currently available information, we consider CHEK2 c.846+1G>C to be a likely pathogenic variant.

Genesis Genomics
Classification: Likely pathogenic for CHEK2-related cancer predisposition. Review status: criteria provided, single submitter. Criteria: ACMG Guidelines, 2015. Collection method: clinical testing. Allele origin: germline. Affected: yes. Observed: 1 variant allele.

Counsyl
Classification: Likely pathogenic for Familial cancer of breast. Last evaluated: 2018-02-16. Review status: no assertion criteria provided. Collection method: clinical testing. Allele origin: unknown. Not counted in ClinVar's aggregate classification.

Literature cited by the submitters: PubMed 16199547 (cited by Labcorp Genetics (formerly Invitae), Labcorp); PubMed 21876083 (cited by Labcorp Genetics (formerly Invitae), Labcorp and Ambry Genetics); PubMed 24713400 (cited by Labcorp Genetics (formerly Invitae), Labcorp and Ambry Genetics); PubMed 34072659 (cited by 4 submitters); PubMed 35017683 (cited by Labcorp Genetics (formerly Invitae), Labcorp); PubMed 35534704 (cited by Labcorp Genetics (formerly Invitae), Labcorp); PubMed 35886069 (cited by Labcorp Genetics (formerly Invitae), Labcorp and Department of Pathology and Laboratory Medicine, Sinai Health System); PubMed 36744932 (cited by Labcorp Genetics (formerly Invitae), Labcorp); PubMed 30980208 (cited by 4 submitters); PubMed 31658756 (cited by 3 submitters); PubMed 32805687 (cited by Ambry Genetics); PubMed 33471991 (cited by Ambry Genetics and Sema4).